The following is an entry in ClinVar:

ClinVar aggregate classification (germline): Pathogenic. Review status: criteria provided, multiple submitters, no conflicts (2 of 4 stars). 3 submissions from 3 submitters: Pathogenic (3). Last evaluated 2023-08-14.

Conditions:
Hereditary cancer-predisposing syndrome. Also called: Hereditary Cancer Syndrome; Tumor predisposition; Hereditary neoplastic syndrome; Neoplastic Syndromes, Hereditary. Identifiers: Orphanet 140162, MedGen C0027672, MeSH D009386, MONDO:0015356.
Lynch syndrome 5 (LYNCH5). Also called: Colorectal cancer, hereditary nonpolyposis, type 5; Hereditary non-polyposis colorectal cancer, type 5. Identifiers: Orphanet 144, MedGen C1833477, MONDO:0013710, OMIM 614350. Disease mechanism: loss of function.
Hereditary nonpolyposis colorectal neoplasms. Identifiers: MedGen C0009405, MeSH D003123.

Submissions (3):

Myriad Genetics, Inc.
Classification: Pathogenic for Lynch syndrome 5. Last evaluated: 2023-08-14. Review status: criteria provided, single submitter. Criteria: Myriad Autosomal Dominant, Autosomal Recessive and X-Linked Classification Criteria (2023). Collection method: clinical testing. Allele origin: unknown.
Comment: This variant is considered pathogenic. This variant creates a frameshift predicted to result in premature protein truncation.

Labcorp Genetics (formerly Invitae), Labcorp
Classification: Pathogenic for Hereditary nonpolyposis colorectal neoplasms. Last evaluated: 2021-10-18. Review status: criteria provided, single submitter. Criteria: Invitae Variant Classification Sherloc (09022015). Collection method: clinical testing. Allele origin: germline.
Comment: For these reasons, this variant has been classified as Pathogenic. This variant has not been reported in the literature in individuals affected with MSH6-related conditions. This variant is not present in population databases (ExAC no frequency). This sequence change creates a premature translational stop signal (p.Leu447Profs*17) in the MSH6 gene. It is expected to result in an absent or disrupted protein product. Loss-of-function variants in MSH6 are known to be pathogenic (PMID: 18269114, 24362816).

Ambry Genetics
Classification: Pathogenic for Hereditary cancer-predisposing syndrome. Last evaluated: 2021-05-21. Review status: criteria provided, single submitter. Criteria: Ambry Variant Classification Scheme 2023. Collection method: clinical testing. Allele origin: germline.
Comment: The c.1339dupC pathogenic mutation, located in coding exon 4 of the MSH6 gene, results from a duplication of C at nucleotide position 1339, causing a translational frameshift with a predicted alternate stop codon (p.L447Pfs*17). This alteration is expected to result in loss of function by premature protein truncation or nonsense-mediated mRNA decay. As such, this alteration is interpreted as a disease-causing mutation.

Literature cited by the submitters: PubMed 18269114 (cited by Labcorp Genetics (formerly Invitae), Labcorp); PubMed 24362816 (cited by Labcorp Genetics (formerly Invitae), Labcorp).

NM_000179.3(MSH6):c.1339dup (p.Leu447fs)

Gene: MSH6 (mutS homolog 6; plus strand). Cytogenetic location: 2p16.3.
Variant type: Duplication.
Coding change: c.1339dup on transcript NM_000179.3 (MANE Select); coding-DNA position 1339, one base duplicated (C; older notation c.1339dupC).
Protein change: p.Leu447fs; shifts the reading frame from leucine 447.
Molecular consequence: frameshift variant.
Genome position (GRCh38, 1-based): chr2:47,799,322, C duplicated. VCF-style (leftmost placement, unchanged base first): chr2-47799321-A-AC. GRCh37 (hg19) VCF-style: chr2-48026460-A-AC.
Other names: c.949dup, p.Leu317fs (NM_001281492.2); c.433dup, p.Leu145fs (NM_001281493.2, NM_001281494.2); short protein forms L317fs, L447fs, L145fs.
Identifiers: ClinVar variation 1418493 (VCV001418493.9), dbSNP rs2104337509, ClinGen allele CA2573134918.
Genomic context (GRCh38, chr2:47,799,321, plus strand): 5'-TTACAAGGTGGGGAAATTTTATGAGCTGTACCACATGGATGCTCTTATTGGAGTCAGTGA[A>AC]CTGGGGCTGGTATTCATGAAAGGCAACTGGGCCCATTCTGGCTTTCCTGAAATTGCATTT-3'